The following is an entry in ClinVar:

NM_021930.6(RINT1):c.1216C>A (p.Leu406Ile)

Gene: RINT1 (RAD50 interactor 1; plus strand). Cytogenetic location: 7q22.3.
Variant type: single nucleotide variant.
Coding change: c.1216C>A on transcript NM_021930.6 (MANE Select); coding-DNA position 1216, C replaced by A.
Protein change: p.Leu406Ile; replaces leucine 406 with isoleucine.
Molecular consequence: missense variant. On other transcripts: non-coding transcript variant (1).
Genome position (GRCh38, 1-based): chr7:105,550,369, C>A. VCF-style: chr7-105550369-C-A. GRCh37 (hg19) VCF-style: chr7-105190816-C-A.
Other names: c.982C>A, p.Leu328Ile (NM_001346599.2); c.193C>A, p.Leu65Ile (NM_001346600.2, NM_001346603.2); c.292C>A, p.Leu98Ile (NM_001346601.2); short protein forms L406I, L65I, L98I, L328I.
Identifiers: ClinVar variation 955100 (VCV000955100.12), dbSNP rs761628779, ClinGen allele CA4426625.

ClinVar aggregate classification (germline): Uncertain significance. Review status: criteria provided, multiple submitters, no conflicts (2 of 4 stars). 3 submissions from 3 submitters: Uncertain significance (3). Last evaluated 2024-10-04.

Conditions:
Infantile liver failure syndrome 3. Identifiers: MedGen C5231437, MONDO:0032844, OMIM 618641.

Allele frequency attached by ClinVar (database versions not stated): gnomAD exomes below 0.00001 and 0.00001; TOPMed below 0.00001; ExAC 0.00001.
gnomAD v4.1: 7 of 1,614,042 alleles (0.00043%); highest among the groups gnomAD compares: Middle Eastern, 0.049%; no homozygotes.

Submissions (3):

Ambry Genetics
Classification: Uncertain significance. Last evaluated: 2024-10-04. Review status: criteria provided, single submitter. Criteria: Ambry Variant Classification Scheme 2023. Collection method: clinical testing. Allele origin: germline.

Fulgent Genetics
Classification: Uncertain significance for Infantile liver failure syndrome 3. Last evaluated: 2024-02-20. Review status: criteria provided, single submitter. Criteria: ACMG Guidelines, 2015. Collection method: clinical testing. Allele origin: germline.

Labcorp Genetics (formerly Invitae), Labcorp
Classification: Uncertain significance. Last evaluated: 2023-10-20. Review status: criteria provided, single submitter. Criteria: Invitae Variant Classification Sherloc (09022015). Collection method: clinical testing. Allele origin: germline.
Comment: This sequence change replaces leucine, which is neutral and non-polar, with isoleucine, which is neutral and non-polar, at codon 406 of the RINT1 protein (p.Leu406Ile). This variant is present in population databases (rs761628779, gnomAD no frequency). This variant has not been reported in the literature in individuals affected with RINT1-related conditions. ClinVar contains an entry for this variant (Variation ID: 955100). An algorithm developed to predict the effect of missense changes on protein structure and function (PolyPhen-2) suggests that this variant is likely to be disruptive. In summary, the available evidence is currently insufficient to determine the role of this variant in disease. Therefore, it has been classified as a Variant of Uncertain Significance.